The following is an entry in ClinVar:

NM_000170.3(GLDC):c.184G>T (p.Asp62Tyr)

Gene: GLDC (glycine decarboxylase; minus strand). Cytogenetic location: 9p24.1.
Variant type: single nucleotide variant.
Coding change: c.184G>T on transcript NM_000170.3 (MANE Select); coding-DNA position 184, G replaced by T.
Protein change: p.Asp62Tyr; replaces aspartic acid 62 with tyrosine.
Molecular consequence: missense variant.
Genome position (GRCh38, 1-based): chr9:6,645,316, C>A on the plus strand (G>T on the coding strand, the complement: GLDC is on the minus strand). VCF-style: chr9-6645316-C-A. GRCh37 (hg19) VCF-style: chr9-6645316-C-A.
Other names: short protein forms D62Y.
Identifiers: ClinVar variation 1355403 (VCV001355403.5), dbSNP rs2130032047, ClinGen allele CA372886639.
Genomic context (GRCh38, chr9:6,645,316, plus strand): 5'-AGGTCTGCAGCATCTCTCTCTGGTCTTTGTCCCCAGGGCCGATGTGCCTCCGAGCGAAGT[C>A]GTCGTGTCTGGGCAGAAGGCGCTCCAGGAGGCGCGAGGCCCCAGCCGCGGCGCTGTCCCC-3'
Protein context (NP_000161.2, residues 52-72): LLERLLPRHD[Asp62Tyr]FARRHIGPGD

ClinVar aggregate classification (germline): Uncertain significance (1 of 4 stars; one submission).

Conditions:
Glycine encephalopathy. Also called: Non-ketotic hyperglycinemia; Nonketotic hyperglycinemia. Identifiers: Orphanet 407, MedGen C0751748, MONDO:0011612, HP:0008288.

Allele frequency attached by ClinVar (database versions not stated): gnomAD exomes below 0.00001.
gnomAD v4.1: 5 of 1,591,816 alleles (0.00031%); highest among the groups gnomAD compares: Non-Finnish European, 0.00043%; no homozygotes.

Submission:

Labcorp Genetics (formerly Invitae), Labcorp
Classification: Uncertain significance for Glycine encephalopathy. Last evaluated: 2022-02-04. Review status: criteria provided, single submitter. Criteria: Invitae Variant Classification Sherloc (09022015). Collection method: clinical testing. Allele origin: germline.
Comment: This sequence change replaces aspartic acid, which is acidic and polar, with tyrosine, which is neutral and polar, at codon 62 of the GLDC protein (p.Asp62Tyr). This variant is not present in population databases (gnomAD no frequency). This variant has not been reported in the literature in individuals affected with GLDC-related conditions. Algorithms developed to predict the effect of missense changes on protein structure and function are either unavailable or do not agree on the potential impact of this missense change (SIFT: "Deleterious"; PolyPhen-2: "Possibly Damaging"; Align-GVGD: "Class C0"). In summary, the available evidence is currently insufficient to determine the role of this variant in disease. Therefore, it has been classified as a Variant of Uncertain Significance.